The following is an entry in ClinVar:

NM_152406.4(AFAP1L1):c.1513G>A (p.Gly505Arg)

Gene: AFAP1L1 (actin filament associated protein 1 like 1; plus strand). Cytogenetic location: 5q32.
Variant type: single nucleotide variant.
Coding change: c.1513G>A on transcript NM_152406.4 (MANE Select); coding-DNA position 1513, G replaced by A.
Protein change: p.Gly505Arg; replaces glycine 505 with arginine.
Molecular consequence: missense variant.
Genome position (GRCh38, 1-based): chr5:149,319,615, G>A. VCF-style: chr5-149319615-G-A. GRCh37 (hg19) VCF-style: chr5-148699178-G-A.
Other names: NM_001323062.2:c.1414G>A; c.1513G>A, p.Gly505Arg (NM_001146337.3); c.1414G>A, p.Gly472Arg (NM_001323062.2); short protein forms G472R, G505R.
Identifiers: ClinVar variation 3383275 (VCV003383275.1).

ClinVar aggregate classification (germline): Uncertain significance (1 of 4 stars; one submission).

Conditions:
Neuromuscular disease. Also called: Neuromuscular disorder; Neuromyopathy. Identifiers: Orphanet 68381, MedGen C0027868, MeSH D009468, MONDO:0019056.

gnomAD v4.1: 113 of 1,613,258 alleles (0.007%); highest among the groups gnomAD compares: Middle Eastern, 0.036%; no homozygotes.

Submission:

Broad Center for Mendelian Genomics, Broad Institute of MIT and Harvard
Classification: Uncertain significance for Neuromuscular disease. Last evaluated: 2024-11-22. Review status: criteria provided, single submitter. Criteria: ACMG Guidelines, 2015. Collection method: curation. Allele origin: germline. Inheritance: Autosomal recessive inheritance. Study: GREGoR Consortium.
Comment: While this gene is still lacking sufficient evidence to establish a gene-disease relationship, we believe this is a possible novel gene candidate for neuromuscular disease. Given the limited information about this gene-disease relationship, the significance of the AFAP1L1 variant is uncertain. If you have any additional information about functional evidence or other individuals with this phenotype that also have variants in AFAP1L1 we encourage you to reach out to us.